The following is an entry in ClinVar:

ClinVar aggregate classification (germline): Uncertain significance. Review status: criteria provided, multiple submitters, no conflicts (2 of 4 stars). 2 submissions from 2 submitters: Uncertain significance (2). Last evaluated 2024-09-17.

Conditions:
Pitt-Hopkins-like syndrome 2 (PTHSL2). Identifiers: Orphanet 221150, Orphanet 600663, MedGen C3280479, MONDO:0013690, OMIM 614325.
Inborn genetic diseases. Identifiers: MedGen C0950123, MeSH D030342.

Allele frequency attached by ClinVar (database versions not stated): gnomAD 0.00002; TOPMed 0.00003.
gnomAD v4.1: 5 of 1,605,936 alleles (0.00031%); highest among the groups gnomAD compares: African/African-American, 0.0067%; no homozygotes.

Submissions (2):

Labcorp Genetics (formerly Invitae), Labcorp
Classification: Uncertain significance for Pitt-Hopkins-like syndrome 2. Last evaluated: 2024-09-17. Review status: criteria provided, single submitter. Criteria: Invitae Variant Classification Sherloc (09022015). Collection method: clinical testing. Allele origin: germline.
Comment: This sequence change replaces serine, which is neutral and polar, with threonine, which is neutral and polar, at codon 116 of the NRXN1 protein (p.Ser116Thr). This variant is not present in population databases (gnomAD no frequency). This variant has not been reported in the literature in individuals affected with NRXN1-related conditions. ClinVar contains an entry for this variant (Variation ID: 589021). An algorithm developed to predict the effect of missense changes on protein structure and function outputs the following: PolyPhen-2: "Benign". The threonine amino acid residue is found in multiple mammalian species, which suggests that this missense change does not adversely affect protein function. In summary, the available evidence is currently insufficient to determine the role of this variant in disease. Therefore, it has been classified as a Variant of Uncertain Significance.

Ambry Genetics
Classification: Uncertain significance for Inborn genetic diseases. Last evaluated: 2020-02-03. Review status: criteria provided, single submitter. Criteria: Ambry Variant Classification Scheme 2023. Collection method: clinical testing. Allele origin: germline.
Comment: The p.S116T variant (also known as c.347G>C), located in coding exon 1 of the NRXN1 gene, results from a G to C substitution at nucleotide position 347. The serine at codon 116 is replaced by threonine, an amino acid with similar properties. This amino acid position is not well conserved in available vertebrate species. In addition, this alteration is predicted to be tolerated by in silico analysis. Since supporting evidence is limited at this time, the clinical significance of this alteration remains unclear.

NM_001330078.2(NRXN1):c.347G>C (p.Ser116Thr)

Gene: NRXN1 (neurexin 1; minus strand). Cytogenetic location: 2p16.3.
Variant type: single nucleotide variant.
Coding change: c.347G>C on transcript NM_001330078.2 (MANE Select); coding-DNA position 347, G replaced by C.
Protein change: p.Ser116Thr; replaces serine 116 with threonine.
Molecular consequence: missense variant.
Genome position (GRCh38, 1-based): chr2:51,027,927, C>G on the plus strand (G>C on the coding strand, the complement: NRXN1 is on the minus strand). VCF-style: chr2-51027927-C-G. GRCh37 (hg19) VCF-style: chr2-51255065-C-G.
Other names: c.347G>C, p.Ser116Thr (NM_001135659.3, NM_001330077.2, NM_001330079.2 and 15 more transcripts); short protein forms S116T.
Identifiers: ClinVar variation 589021 (VCV000589021.7), dbSNP rs751348647, ClinGen allele CA48054915.
Genomic context (GRCh38, chr2:51,027,927, plus strand): 5'-TTGGCCTCCACCTGGTCGATGAAGAGCGTGGTGTTGCGGAACTGGCGGCGGATGCGCACG[C>G]TGTGCCAGGCGCCGTCGTTAACCGGCGTGTCGGCCAGGAGCGTCGCAGGCTCAGCGCAGA-3'
Protein context (NP_001317007.1, residues 106-126): DTPVNDGAWH[Ser116Thr]VRIRRQFRNT